The following is an entry in ClinVar:

NM_014991.6(WDFY3):c.1475A>G (p.His492Arg)

Gene: WDFY3 (WD repeat and FYVE domain containing 3; minus strand). Cytogenetic location: 4q21.23.
Variant type: single nucleotide variant.
Coding change: c.1475A>G on transcript NM_014991.6 (MANE Select); coding-DNA position 1475, A replaced by G.
Protein change: p.His492Arg; replaces histidine 492 with arginine.
Molecular consequence: missense variant.
Genome position (GRCh38, 1-based): chr4:84,821,200, T>C on the plus strand (A>G on the coding strand, the complement: WDFY3 is on the minus strand). VCF-style: chr4-84821200-T-C. GRCh37 (hg19) VCF-style: chr4-85742353-T-C.
Other names: short protein forms H492R.
Identifiers: ClinVar variation 1314063 (VCV001314063.2), dbSNP rs575421300, ClinGen allele CA100730385.

ClinVar aggregate classification (germline): Uncertain significance (1 of 4 stars; one submission).

Allele frequency attached by ClinVar (database versions not stated): gnomAD exomes 0.00001.
gnomAD v4.1: 3 of 1,613,790 alleles (0.00019%); highest among the groups gnomAD compares: Non-Finnish European, 0.00025%; no homozygotes.

Submission:

GeneDx
Classification: Uncertain significance. Last evaluated: 2020-02-13. Review status: criteria provided, single submitter. Criteria: GeneDx Variant Classification Process June 2021. Collection method: clinical testing. Allele origin: germline. Affected: yes.
Comment: In silico analysis supports that this missense variant has a deleterious effect on protein structure/function; Has not been previously published as pathogenic or benign to our knowledge